The following is an entry in ClinVar:

NM_001286577.2(C2CD3):c.4486C>T (p.Arg1496Ter)

Gene: C2CD3 (C2 domain containing 3 centriole elongation regulator; minus strand). Cytogenetic location: 11q13.4.
Variant type: single nucleotide variant.
Coding change: c.4486C>T on transcript NM_001286577.2 (MANE Select); coding-DNA position 4486, C replaced by T.
Protein change: p.Arg1496Ter; replaces arginine 1496 with a stop codon.
Molecular consequence: nonsense.
Genome position (GRCh38, 1-based): chr11:74,078,232, G>A on the plus strand (C>T on the coding strand, the complement: C2CD3 is on the minus strand). VCF-style: chr11-74078232-G-A. GRCh37 (hg19) VCF-style: chr11-73789277-G-A.
Other names: c.4486C>T, p.Arg1496Ter (NM_015531.6); short protein forms R1496*.
Identifiers: ClinVar variation 1690523 (VCV001690523.2), dbSNP rs1189478751, ClinGen allele CA381817352.

ClinVar aggregate classification (germline): Likely pathogenic (1 of 4 stars; one submission).

Allele frequency attached by ClinVar (database versions not stated): gnomAD exomes below 0.00001; gnomAD 0.00001; TOPMed 0.00001.
gnomAD v4.1: 8 of 1,613,938 alleles (0.0005%); highest among the groups gnomAD compares: African/African-American, 0.0027%; no homozygotes.

Submission:

Laboratorio de Genetica e Diagnostico Molecular, Hospital Israelita Albert Einstein
Classification: Likely pathogenic. Last evaluated: 2021-12-07. Review status: criteria provided, single submitter. Criteria: ACMG Guidelines, 2015. Collection method: clinical testing. Allele origin: germline. Affected: yes.
Comment: ACMG classification criteria: PVS1, PM2